The following is an entry in ClinVar:

NM_000937.5(POLR2A):c.153C>T (p.Arg51=)

Gene: POLR2A (RNA polymerase II subunit A; plus strand). Cytogenetic location: 17p13.1.
Variant type: single nucleotide variant.
Coding change: c.153C>T on transcript NM_000937.5 (MANE Select); coding-DNA position 153, C replaced by T.
Protein change: p.Arg51=; no amino-acid change (arginine 51 retained).
Molecular consequence: synonymous variant.
Genome position (GRCh38, 1-based): chr17:7,496,000, C>T. VCF-style: chr17-7496000-C-T. GRCh37 (hg19) VCF-style: chr17-7399319-C-T.
Identifiers: ClinVar variation 3059166 (VCV003059166.2), dbSNP rs41556717, ClinGen allele CA8349116.

ClinVar aggregate classification (germline): Benign (0 of 4 stars; one submission).

Conditions:
POLR2A-related disorder. Also called: POLR2A-related condition.

Allele frequency attached by ClinVar (database versions not stated): 1000 Genomes Project 30x 0.00593; 1000 Genomes Project 0.00599; gnomAD 0.01246; TOPMed 0.01339; ExAC 0.01411; ESP Exome Variant Server 0.01584; gnomAD exomes 0.01738.

Submission:

PreventionGenetics, part of Exact Sciences
Classification: Benign for POLR2A-related condition. Last evaluated: 2019-11-20. Review status: no assertion criteria provided. Collection method: clinical testing. Allele origin: germline.
Comment: This variant is classified as benign based on ACMG/AMP sequence variant interpretation guidelines (Richards et al. 2015 PMID: 25741868, with internal and published modifications).